The following is an entry in ClinVar:

NM_001384140.1(PCDH15):c.882A>G (p.Glu294=)

Gene: PCDH15 (protocadherin related 15; minus strand). Cytogenetic location: 10q21.1.
Variant type: single nucleotide variant.
Coding change: c.882A>G on transcript NM_001384140.1 (MANE Select); coding-DNA position 882, A replaced by G.
Protein change: p.Glu294=; no amino-acid change (glutamic acid 294 retained).
Molecular consequence: synonymous variant.
Genome position (GRCh38, 1-based): chr10:54,236,926, T>C on the plus strand (A>G on the coding strand, the complement: PCDH15 is on the minus strand). VCF-style: chr10-54236926-T-C. GRCh37 (hg19) VCF-style: chr10-55996686-T-C.
Other names: c.897A>G, p.Glu299= (NM_001142763.2, NM_001142769.4, NM_001142771.2); c.882A>G, p.Glu294= (NM_001142764.2, NM_001142765.2, NM_001142766.2 and 7 more transcripts); c.771A>G, p.Glu257= (NM_001142767.2); c.816A>G, p.Glu272= (NM_001142768.2, NM_001142773.2, NM_001354404.2).
Identifiers: ClinVar variation 745546 (VCV000745546.14), dbSNP rs181232514, ClinGen allele CA207256115.
Genomic context (GRCh38, chr10:54,236,926, plus strand): 5'-TTGAATATTCCGGTCCTGATCAATGGCTTGGATTGGTGGCGTAACAATAATGGGGTTCAG[T>C]TCTTCCTGAAAAAAAAATTAAGAGAGTTTCATTCAGCCGCATTACTAATACTTCATGAAG-3'
Protein context (NP_001371069.1, residues 284-304): AAIPELRTPE[Glu294=]LNPIIVTPPI

ClinVar aggregate classification (germline): Likely benign. Review status: criteria provided, multiple submitters, no conflicts (2 of 4 stars). 4 submissions from 4 submitters: Likely benign (3). 1 of the submissions does not count toward it. Last evaluated 2026-06-29.

Conditions:
Usher syndrome type 1F (USH1F). Also called: USHER SYNDROME, TYPE IF. Identifiers: Orphanet 231169, Orphanet 886, MedGen C1865885, MONDO:0011186, OMIM 602083.
PCDH15-related disorder. Also called: PCDH15-related condition; PCDH15-related disorders.

Allele frequency attached by ClinVar (database versions not stated): gnomAD exomes 0.00001; gnomAD 0.00006 and 0.00007; TOPMed 0.00010; 1000 Genomes Project 0.00020; 1000 Genomes Project 30x 0.00031.
gnomAD v4.1: 17 of 1,612,988 alleles (0.0011%); highest among the groups gnomAD compares: Admixed American, 0.025%; no homozygotes.

Submissions (4):

PreventionGenetics, part of Exact Sciences
Classification: Likely benign for PCDH15-related condition. Last evaluated: 2026-06-29. Review status: criteria provided, single submitter. Criteria: ACMG Guidelines, 2015. Collection method: clinical testing. Allele origin: germline.
Comment: This variant is classified as likely benign based on ACMG/AMP sequence variant interpretation guidelines (Richards et al. 2015 PMID: 25741868, with internal and published modifications).

Labcorp Genetics (formerly Invitae), Labcorp
Classification: Likely benign. Last evaluated: 2026-01-22. Review status: criteria provided, single submitter. Criteria: Invitae Variant Classification Sherloc (09022015). Collection method: clinical testing. Allele origin: germline.

Blueprint Genetics
Classification: Likely benign. Last evaluated: 2022-10-01. Review status: criteria provided, single submitter. Criteria: ACMG Guidelines, 2015. Collection method: clinical testing. Allele origin: germline.

Natera, Inc.
Classification: Uncertain significance for Usher syndrome type 1F. Last evaluated: 2020-04-10. Review status: no assertion criteria provided. Collection method: clinical testing. Allele origin: germline. Not counted in ClinVar's aggregate classification.